The following is an entry in ClinVar:

ClinVar aggregate classification (germline): Uncertain significance (1 of 4 stars; one submission).

Conditions:
Neuroblastoma, susceptibility to, 3. Also called: ALK-Related Neuroblastic Tumor Susceptibility. Identifiers: Orphanet 635, MedGen C2751681, MONDO:0013083, OMIM 613014.

Submission:

Labcorp Genetics (formerly Invitae), Labcorp
Classification: Uncertain significance for Neuroblastoma, susceptibility to, 3. Last evaluated: 2022-05-16. Review status: criteria provided, single submitter. Criteria: Invitae Variant Classification Sherloc (09022015). Collection method: clinical testing. Allele origin: germline.
Comment: This sequence change replaces methionine, which is neutral and non-polar, with valine, which is neutral and non-polar, at codon 950 of the ALK protein (p.Met950Val). This variant is not present in population databases (gnomAD no frequency). This variant has not been reported in the literature in individuals affected with ALK-related conditions. Algorithms developed to predict the effect of missense changes on protein structure and function output the following: SIFT: "Tolerated"; PolyPhen-2: "Benign"; Align-GVGD: "Class C0". The valine amino acid residue is found in multiple mammalian species, which suggests that this missense change does not adversely affect protein function. In summary, the available evidence is currently insufficient to determine the role of this variant in disease. Therefore, it has been classified as a Variant of Uncertain Significance.

NM_004304.5(ALK):c.2848A>G (p.Met950Val)

Gene: ALK (ALK receptor tyrosine kinase; minus strand). Cytogenetic location: 2p23.2.
Variant type: single nucleotide variant.
Coding change: c.2848A>G on transcript NM_004304.5 (MANE Select); coding-DNA position 2848, A replaced by G.
Protein change: p.Met950Val; replaces methionine 950 with valine.
Molecular consequence: missense variant.
Genome position (GRCh38, 1-based): chr2:29,227,640, T>C on the plus strand (A>G on the coding strand, the complement: ALK is on the minus strand). VCF-style: chr2-29227640-T-C. GRCh37 (hg19) VCF-style: chr2-29450506-T-C.
Other names: short protein forms M950V.
Identifiers: ClinVar variation 1995017 (VCV001995017.4), dbSNP rs2465973626, ClinGen allele CA346468721.
Genomic context (GRCh38, chr2:29,227,640, plus strand): 5'-AAGCTGGGGTGTACAGGATGCCCAGTGGACTGATGAAGGAAACCCCATCTTCCCCATCCA[T>C]TTCGGGGTCATTGTTTGAGGCTGCATTGCCGCCTGAGTAGCAAACCAGAGCAGAGTTTAA-3'
Protein context (NP_004295.2, residues 940-960): GNAASNNDPE[Met950Val]DGEDGVSFIS